The following is an entry in ClinVar:

NM_005515.4(MNX1):c.887G>A (p.Trp296Ter)

Gene: MNX1 (motor neuron and pancreas homeobox 1; minus strand). Cytogenetic location: 7q36.3.
Variant type: single nucleotide variant.
Coding change: c.887G>A on transcript NM_005515.4 (MANE Select); coding-DNA position 887, G replaced by A.
Protein change: p.Trp296Ter; replaces tryptophan 296 with a stop codon.
Molecular consequence: nonsense.
Genome position (GRCh38, 1-based): chr7:157,005,839, C>T on the plus strand (G>A on the coding strand, the complement: MNX1 is on the minus strand). VCF-style: chr7-157005839-C-T. GRCh37 (hg19) VCF-style: chr7-156798533-C-T.
Other names: c.251G>A, p.Trp84Ter (NM_001165255.2); short protein forms W296*, W84*.
Identifiers: ClinVar variation 5007193 (VCV005007193.2).

ClinVar aggregate classification (germline): Uncertain significance (1 of 4 stars; one submission).

Conditions:
Currarino triad. Identifiers: Orphanet 1552, MedGen C1531773, MONDO:0008305, OMIM 176450.

Submission:

Juno Genomics, Hangzhou Juno Genomics, Inc
Classification: Uncertain significance for Currarino triad. Review status: criteria provided, single submitter. Criteria: ACMG Guidelines, 2015. Collection method: clinical testing. Allele origin: germline.
Comment: Null variant in a gene where loss of function (LOF) is a known mechanism of disease.;Absent from controls (or at extremely low frequency if recessive) in Genome Aggregation Database.